The following is an entry in ClinVar:

ClinVar aggregate classification (germline): Uncertain significance (1 of 4 stars; one submission).

Conditions:
Cardiovascular phenotype. Identifiers: MedGen CN230736.

gnomAD v4.1: 4 of 1,614,168 alleles (0.00025%); highest among the groups gnomAD compares: South Asian, 0.0044%; no homozygotes.

Submission:

Ambry Genetics
Classification: Uncertain significance for Cardiovascular phenotype. Last evaluated: 2026-06-15. Review status: criteria provided, single submitter. Criteria: Ambry Variant Classification Scheme 2023. Collection method: clinical testing. Allele origin: germline.
Comment: The p.A252V variant (also known as c.755C>T), located in coding exon 11 of the COL1A1 gene, results from a C to T substitution at nucleotide position 755. The alanine at codon 252 is replaced by valine, an amino acid with similar properties. This amino acid position is conserved. In addition, the in silico prediction for this alteration is inconclusive. Based on the available evidence, the clinical significance of this variant remains unclear.

NM_000088.4(COL1A1):c.755C>T (p.Ala252Val)

Genes: COL1A1 (collagen type I alpha 1 chain; minus strand), LOC126862586 (CDK7 strongly-dependent group 2 enhancer GRCh37_chr17:48273702-48274901; plus strand). Cytogenetic location: 17q21.33.
Variant type: single nucleotide variant.
Coding change: c.755C>T on transcript NM_000088.4 (MANE Select); coding-DNA position 755, C replaced by T.
Protein change: p.Ala252Val; replaces alanine 252 with valine.
Molecular consequence: missense variant.
Genome position (GRCh38, 1-based): chr17:50,197,059, G>A on the plus strand (C>T on the coding strand, the complement: COL1A1 is on the minus strand). VCF-style: chr17-50197059-G-A. GRCh37 (hg19) VCF-style: chr17-48274420-G-A.
Other names: short protein forms A252V.
Identifiers: ClinVar variation 5034694 (VCV005034694.1).